The following is an entry in ClinVar:

NM_006227.4(PLTP):c.1283-7C>A

Gene: PLTP (phospholipid transfer protein; minus strand). Cytogenetic location: 20q13.12.
Variant type: single nucleotide variant.
Coding change: c.1283-7C>A on transcript NM_006227.4 (MANE Select); 7 bases into the intron before coding-DNA position 1283, C replaced by A.
Molecular consequence: intron variant.
Genome position (GRCh38, 1-based): chr20:45,899,545, G>T on the plus strand (C>A on the coding strand, the complement: PLTP is on the minus strand). VCF-style: chr20-45899545-G-T. GRCh37 (hg19) VCF-style: chr20-44528184-G-T.
Other names: c.1019-7C>A (NM_001242921.1); c.998-7C>A (NM_001242920.2); c.1127-7C>A (NM_182676.3); c.1283-7C>A (NM_006227.3).
Identifiers: ClinVar variation 1355576 (VCV001355576.10), dbSNP rs370035568, ClinGen allele CA9883501.

ClinVar aggregate classification (germline): Likely benign. Review status: criteria provided, single submitter (1 of 4 stars). 2 submissions from 2 submitters: Likely benign (1). 1 of the submissions does not count toward it. Last evaluated 2025-06-16.

Conditions:
PLTP-related disorder. Also called: PLTP-related condition.

Allele frequency attached by ClinVar (database versions not stated): ExAC 0.00004; gnomAD exomes 0.00004; ESP Exome Variant Server 0.00008.

Submissions (2):

Labcorp Genetics (formerly Invitae), Labcorp
Classification: Likely benign. Last evaluated: 2025-06-16. Review status: criteria provided, single submitter. Criteria: Invitae Variant Classification Sherloc (09022015). Collection method: clinical testing. Allele origin: germline.

PreventionGenetics, part of Exact Sciences
Classification: Likely benign for PLTP-related condition. Last evaluated: 2020-03-23. Review status: no assertion criteria provided. Collection method: clinical testing. Allele origin: germline. Not counted in ClinVar's aggregate classification.
Comment: This variant is classified as likely benign based on ACMG/AMP sequence variant interpretation guidelines (Richards et al. 2015 PMID: 25741868, with internal and published modifications).